The following is an entry in ClinVar:

ClinVar aggregate classification (germline): Uncertain significance. Review status: criteria provided, multiple submitters, no conflicts (2 of 4 stars). 3 submissions from 3 submitters: Uncertain significance (3). Last evaluated 2026-08-17.

Conditions:
Inborn genetic diseases. Identifiers: MedGen C0950123, MeSH D030342.
Deafness-lymphedema-leukemia syndrome. Also called: Emberger syndrome; Lymphedema, primary, with myelodysplasia. Identifiers: Orphanet 3226, MedGen C3279664, MONDO:0013540, OMIM 614038.
Monocytopenia with susceptibility to infections. Also called: MONOCYTOPENIA AND MYCOBACTERIAL INFECTION SYNDROME; MONOCYTOPENIA WITH SUSCEPTIBILITY TO MYCOBACTERIAL, FUNGAL, AND PAPILLOMAVIRUS INFECTIONS AND MYELODYSPLASIA; COMBINED IMMUNODEFICIENCY WITH SUSCEPTIBILITY TO MYCOBACTERIAL, VIRAL, AND FUNGAL INFECTIONS; Dendritic cell, monocyte, B lymphocyte, and natural killer lymphocyte deficiency; GATA2 DEFICIENCY; IMMUNODEFICIENCY 21. Identifiers: Orphanet 228423, MedGen C3280030, MONDO:0013607, OMIM 614172.

gnomAD v4.1: 5 of 1,611,468 alleles (0.00031%); highest among the groups gnomAD compares: East Asian, 0.0089%; no homozygotes.

Submissions (3):

Ambry Genetics
Classification: Uncertain significance for Inborn genetic diseases. Last evaluated: 2026-08-17. Review status: criteria provided, single submitter. Criteria: Ambry Variant Classification Scheme 2023. Collection method: clinical testing. Allele origin: germline.
Comment: The p.A64S variant (also known as c.190G>T), located in coding exon 1 of the GATA2 gene, results from a G to T substitution at nucleotide position 190. The alanine at codon 64 is replaced by serine, an amino acid with similar properties. This amino acid position is conserved. In addition, the in silico prediction for this alteration is inconclusive. Based on the available evidence, the clinical significance of this variant remains unclear.

Labcorp Genetics (formerly Invitae), Labcorp
Classification: Uncertain significance for Monocytopenia with susceptibility to infections; Deafness-lymphedema-leukemia syndrome. Last evaluated: 2025-07-07. Review status: criteria provided, single submitter. Criteria: Invitae Variant Classification Sherloc (09022015). Collection method: clinical testing. Allele origin: germline.
Comment: This sequence change replaces alanine, which is neutral and non-polar, with serine, which is neutral and polar, at codon 64 of the GATA2 protein (p.Ala64Ser). This variant is not present in population databases (gnomAD no frequency). This variant has not been reported in the literature in individuals affected with GATA2-related conditions. ClinVar contains an entry for this variant (Variation ID: 861882). Invitae Evidence Modeling of protein sequence and biophysical properties (such as structural, functional, and spatial information, amino acid conservation, physicochemical variation, residue mobility, and thermodynamic stability) indicates that this missense variant is not expected to disrupt GATA2 protein function with a negative predictive value of 95%. In summary, the available evidence is currently insufficient to determine the role of this variant in disease. Therefore, it has been classified as a Variant of Uncertain Significance.

Mayo Clinic Laboratories, Mayo Clinic
Classification: Uncertain significance. Last evaluated: 2024-05-13. Review status: criteria provided, single submitter. Criteria: ACMG Guidelines, 2015. Collection method: clinical testing. Allele origin: germline. Observed: 1 variant allele.
Comment: PM2

NM_032638.5(GATA2):c.190G>T (p.Ala64Ser)

Gene: GATA2 (GATA binding protein 2; minus strand). Cytogenetic location: 3q21.3.
Variant type: single nucleotide variant.
Coding change: c.190G>T on transcript NM_032638.5 (MANE Select); coding-DNA position 190, G replaced by T.
Protein change: p.Ala64Ser; replaces alanine 64 with serine.
Molecular consequence: missense variant.
Genome position (GRCh38, 1-based): chr3:128,486,842, C>A on the plus strand (G>T on the coding strand, the complement: GATA2 is on the minus strand). VCF-style: chr3-128486842-C-A. GRCh37 (hg19) VCF-style: chr3-128205685-C-A.
Other names: p.Ala64Ser; c.190G>T, p.Ala64Ser (NM_001145661.2, NM_001145662.1); short protein forms A64S.
Identifiers: ClinVar variation 861882 (VCV000861882.9), dbSNP rs370831063, ClinGen allele CA354408373.